The following is an entry in ClinVar:

NM_018489.3(ASH1L):c.6917G>A (p.Arg2306Gln)

Gene: ASH1L (ASH1 like histone lysine methyltransferase; minus strand). Cytogenetic location: 1q22.
Variant type: single nucleotide variant.
Coding change: c.6917G>A on transcript NM_018489.3 (MANE Select); coding-DNA position 6917, G replaced by A.
Protein change: p.Arg2306Gln; replaces arginine 2306 with glutamine.
Molecular consequence: missense variant.
Genome position (GRCh38, 1-based): chr1:155,357,628, C>T on the plus strand (G>A on the coding strand, the complement: ASH1L is on the minus strand). VCF-style: chr1-155357628-C-T. GRCh37 (hg19) VCF-style: chr1-155327419-C-T.
Other names: c.6932G>A, p.Arg2311Gln (NM_001366177.2); short protein forms R2306Q, R2311Q.
Identifiers: ClinVar variation 3435953 (VCV003435953.5).

ClinVar aggregate classification (germline): Likely benign. Review status: criteria provided, multiple submitters, no conflicts (2 of 4 stars). 2 submissions from 2 submitters: Likely benign (2). Last evaluated 2026-03-01.

Conditions:
Inborn genetic diseases. Identifiers: MedGen C0950123, MeSH D030342.

gnomAD v4.1: 76 of 1,613,864 alleles (0.0047%); highest among the groups gnomAD compares: African/African-American, 0.019%; no homozygotes.

Submissions (2):

CeGaT Center for Human Genetics Tuebingen
Classification: Likely benign. Last evaluated: 2026-03-01. Review status: criteria provided, single submitter. Criteria: CeGaT Center For Human Genetics Tuebingen Variant Classification Criteria Version 2. Collection method: clinical testing. Allele origin: germline. Affected: yes. Observed: 1 variant allele.
Comment: ASH1L: BS2

Ambry Genetics
Classification: Likely benign for Inborn genetic diseases. Last evaluated: 2024-11-27. Review status: criteria provided, single submitter. Criteria: Ambry Variant Classification Scheme 2023. Collection method: clinical testing. Allele origin: germline.